The following is an entry in ClinVar:

NM_032444.4(SLX4):c.3751A>G (p.Thr1251Ala)

Gene: SLX4 (SLX4 structure-specific endonuclease subunit; minus strand). Cytogenetic location: 16p13.3.
Variant type: single nucleotide variant.
Coding change: c.3751A>G on transcript NM_032444.4 (MANE Select); coding-DNA position 3751, A replaced by G.
Protein change: p.Thr1251Ala; replaces threonine 1251 with alanine.
Molecular consequence: missense variant.
Genome position (GRCh38, 1-based): chr16:3,589,887, T>C on the plus strand (A>G on the coding strand, the complement: SLX4 is on the minus strand). VCF-style: chr16-3589887-T-C. GRCh37 (hg19) VCF-style: chr16-3639888-T-C.
Other names: c.3751A>G (LRG_503t1); short protein forms T1251A.
Identifiers: ClinVar variation 651677 (VCV000651677.1), dbSNP rs1596521026, ClinGen allele CA394519476.

ClinVar aggregate classification (germline): Uncertain significance (1 of 4 stars; one submission).

Conditions:
Fanconi anemia (FA). Also called: Fanconi's anemia. Identifiers: Orphanet 84, MedGen C0015625, MeSH D005199, MONDO:0019391.

Submission:

Labcorp Genetics (formerly Invitae), Labcorp
Classification: Uncertain significance for Fanconi anemia. Last evaluated: 2018-11-11. Review status: criteria provided, single submitter. Criteria: Invitae Variant Classification Sherloc (09022015). Collection method: clinical testing. Allele origin: germline.
Comment: This sequence change replaces threonine with alanine at codon 1251 of the SLX4 protein (p.Thr1251Ala). The threonine residue is moderately conserved and there is a small physicochemical difference between threonine and alanine. This variant is not present in population databases (ExAC no frequency). This variant has not been reported in the literature in individuals with SLX4-related disease. Algorithms developed to predict the effect of missense changes on protein structure and function output the following: SIFT: "Tolerated"; PolyPhen-2: "Benign"; Align-GVGD: "Class C0". The alanine amino acid residue is found in multiple mammalian species, suggesting that this missense change does not adversely affect protein function. These predictions have not been confirmed by published functional studies and their clinical significance is uncertain. In summary, the available evidence is currently insufficient to determine the role of this variant in disease. Therefore, it has been classified as a Variant of Uncertain Significance.